The following is an entry in ClinVar:

ClinVar aggregate classification (germline): Conflicting classifications of pathogenicity. Review status: criteria provided, conflicting classifications (1 of 4 stars). 2 submissions from 2 submitters: Uncertain significance (1); Likely benign (1). Last evaluated 2025-05-16.

Conditions:
MC4R-related disorder. Also called: MC4R-related condition.

gnomAD v4.1: 7 of 1,614,230 alleles (0.00043%); highest among the groups gnomAD compares: South Asian, 0.0011%; no homozygotes.

Submissions (2):

PreventionGenetics, part of Exact Sciences
Classification: Likely benign for MC4R-related condition. Last evaluated: 2025-05-16. Review status: criteria provided, single submitter. Criteria: ACMG Guidelines, 2015. Collection method: clinical testing. Allele origin: germline.
Comment: This variant is classified as likely benign based on ACMG/AMP sequence variant interpretation guidelines (Richards et al. 2015 PMID: 25741868, with internal and published modifications).

Labcorp Genetics (formerly Invitae), Labcorp
Classification: Uncertain significance. Last evaluated: 2024-09-01. Review status: criteria provided, single submitter. Criteria: Invitae Variant Classification Sherloc (09022015). Collection method: clinical testing. Allele origin: germline.
Comment: This sequence change affects codon 249 of the MC4R mRNA. It is a 'silent' change, meaning that it does not change the encoded amino acid sequence of the MC4R protein. This variant is present in population databases (rs778267463, gnomAD 0.003%). This variant has not been reported in the literature in individuals affected with MC4R-related conditions. Experimental studies and prediction algorithms are not available or were not evaluated, and the effect of this variant on mRNA splicing is currently unknown. In summary, the available evidence is currently insufficient to determine the role of this variant in disease. Therefore, it has been classified as a Variant of Uncertain Significance.

NM_005912.3(MC4R):c.747C>T (p.Ile249=)

Gene: MC4R (melanocortin 4 receptor; minus strand). Cytogenetic location: 18q21.32.
Variant type: single nucleotide variant.
Coding change: c.747C>T on transcript NM_005912.3 (MANE Select); coding-DNA position 747, C replaced by T.
Protein change: p.Ile249=; no amino-acid change (isoleucine 249 retained).
Molecular consequence: synonymous variant.
Genome position (GRCh38, 1-based): chr18:60,371,603, G>A on the plus strand (C>T on the coding strand, the complement: MC4R is on the minus strand). VCF-style: chr18-60371603-G-A. GRCh37 (hg19) VCF-style: chr18-58038836-G-A.
Other names: c.747C>T (NM_005912.2).
Identifiers: ClinVar variation 3661016 (VCV003661016.3).